The following is an entry in ClinVar:

ClinVar aggregate classification (germline): Uncertain significance (1 of 4 stars; one submission).

Submission:

Ambry Genetics
Classification: Uncertain significance. Last evaluated: 2024-10-18. Review status: criteria provided, single submitter. Criteria: Ambry Variant Classification Scheme 2023. Collection method: clinical testing. Allele origin: germline.
Comment: The p.V174L variant (also known as c.520G>C), located in coding exon 6 of the NPAT gene, results from a G to C substitution at nucleotide position 520. The valine at codon 174 is replaced by leucine, an amino acid with highly similar properties. This amino acid position is conserved. In addition, this alteration is predicted to be tolerated by in silico analysis. Based on the available evidence, the clinical significance of this variant remains unclear.

NM_002519.3(NPAT):c.520G>C (p.Val174Leu)

Gene: NPAT (nuclear protein, coactivator of histone transcription; minus strand). Cytogenetic location: 11q22.3.
Variant type: single nucleotide variant.
Coding change: c.520G>C on transcript NM_002519.3 (MANE Select); coding-DNA position 520, G replaced by C.
Protein change: p.Val174Leu; replaces valine 174 with leucine.
Molecular consequence: missense variant.
Genome position (GRCh38, 1-based): chr11:108,189,142, C>G on the plus strand (G>C on the coding strand, the complement: NPAT is on the minus strand). VCF-style: chr11-108189142-C-G. GRCh37 (hg19) VCF-style: chr11-108059869-C-G.
Other names: c.520G>C, p.Val174Leu (NM_001321307.1); short protein forms V174L.
Identifiers: ClinVar variation 3407246 (VCV003407246.1).